The following is an entry in ClinVar:

ClinVar aggregate classification (germline): Pathogenic (1 of 4 stars; one submission).

Submission:

Labcorp Genetics (formerly Invitae), Labcorp
Classification: Pathogenic. Last evaluated: 2023-07-29. Review status: criteria provided, single submitter. Criteria: Invitae Variant Classification Sherloc (09022015). Collection method: clinical testing. Allele origin: germline.
Comment: This variant is not present in population databases (gnomAD no frequency). For these reasons, this variant has been classified as Pathogenic. This variant has not been reported in the literature in individuals affected with ABCA3-related conditions. This sequence change creates a premature translational stop signal (p.Gly1017Alafs*117) in the ABCA3 gene. It is expected to result in an absent or disrupted protein product. Loss-of-function variants in ABCA3 are known to be pathogenic (PMID: 27516224).

Literature cited by the submitters: PubMed 27516224.

NM_001089.3(ABCA3):c.3050del (p.Gly1017fs)

Gene: ABCA3 (ATP binding cassette subfamily A member 3; minus strand). Cytogenetic location: 16p13.3.
Variant type: Deletion.
Coding change: c.3050del on transcript NM_001089.3 (MANE Select); coding-DNA position 3050, one base deleted (G; older notation c.3050delG).
Protein change: p.Gly1017fs; shifts the reading frame from glycine 1017.
Molecular consequence: frameshift variant.
Genome position (GRCh38, 1-based): chr16:2,286,922, C deleted on the plus strand (G on the coding strand, the reverse complement: ABCA3 is on the minus strand); the first of 6 consecutive C bases (chr16:2,286,922-2,286,927); deleting any one gives the same sequence. VCF-style (leftmost placement, unchanged base first): chr16-2286921-GC-G. GRCh37 (hg19) VCF-style: chr16-2336922-GC-G.
Other names: short protein forms G1017fs.
Identifiers: ClinVar variation 2778229 (VCV002778229.3), dbSNP rs2505625639, ClinGen allele CA620387712.
Genomic context (GRCh38, chr16:2,286,921, plus strand): 5'-GACCGTGCGCTCTCCCACATCTCTGAAGGACGCTGCCACAAGGCACCGCTCATTAAAGCC[GC>G]CCCCCTCCACAGAAGCCCTGAAGATCAAGAACTCCTCCAGGTCACCTGGGGAGCAATGGC-3'